The following is an entry in ClinVar:

NM_001220.5(CAMK2B):c.1541C>A (p.Pro514Gln)

Gene: CAMK2B (calcium/calmodulin dependent protein kinase II beta; minus strand). Cytogenetic location: 7p13.
Variant type: single nucleotide variant.
Coding change: c.1541C>A on transcript NM_001220.5 (MANE Select); coding-DNA position 1541, C replaced by A.
Protein change: p.Pro514Gln; replaces proline 514 with glutamine.
Molecular consequence: missense variant. On other transcripts: intron variant (8).
Genome position (GRCh38, 1-based): chr7:44,226,572, G>T on the plus strand (C>A on the coding strand, the complement: CAMK2B is on the minus strand). VCF-style: chr7-44226572-G-T. GRCh37 (hg19) VCF-style: chr7-44266171-G-T.
Other names: c.947-5671C>A (NM_172084.3); c.1150+4434C>A (NM_172080.3); c.1036+4434C>A (NM_172083.3); c.1108+4434C>A (NM_172081.3); c.1153+4434C>A (NM_172079.3, NM_172082.3); c.1225+4434C>A (NM_001293170.2, NM_172078.3); short protein forms P514Q.
Identifiers: ClinVar variation 2976508 (VCV002976508.3), dbSNP rs763648872, ClinGen allele CA4240245.

ClinVar aggregate classification (germline): Uncertain significance (1 of 4 stars; one submission).

Allele frequency attached by ClinVar (database versions not stated): ExAC 0.00001; gnomAD 0.00002; TOPMed 0.00002.
gnomAD v4.1: 15 of 1,475,644 alleles (0.001%); highest among the groups gnomAD compares: African/African-American, 0.0015%; no homozygotes.

Submission:

Labcorp Genetics (formerly Invitae), Labcorp
Classification: Uncertain significance. Last evaluated: 2024-09-03. Review status: criteria provided, single submitter. Criteria: Invitae Variant Classification Sherloc (09022015). Collection method: clinical testing. Allele origin: germline.
Comment: This sequence change replaces proline, which is neutral and non-polar, with glutamine, which is neutral and polar, at codon 514 of the CAMK2B protein (p.Pro514Gln). This variant is present in population databases (rs763648872, gnomAD 0.006%). This variant has not been reported in the literature in individuals affected with CAMK2B-related conditions. An algorithm developed to predict the effect of missense changes on protein structure and function outputs the following: PolyPhen-2: "Possibly Damaging". The glutamine amino acid residue is found in multiple mammalian species, which suggests that this missense change does not adversely affect protein function. In summary, the available evidence is currently insufficient to determine the role of this variant in disease. Therefore, it has been classified as a Variant of Uncertain Significance.